The following is an entry in ClinVar:

NM_001148.6(ANK2):c.8640T>A (p.Asp2880Glu)

Gene: ANK2 (ankyrin 2; plus strand). Cytogenetic location: 4q26.
Variant type: single nucleotide variant.
Coding change: c.8640T>A on transcript NM_001148.6 (MANE Select); coding-DNA position 8640, T replaced by A.
Protein change: p.Asp2880Glu; replaces aspartic acid 2880 with glutamic acid.
Molecular consequence: missense variant. On other transcripts: intron variant (68).
Genome position (GRCh38, 1-based): chr4:113,357,258, T>A. VCF-style: chr4-113357258-T-A. GRCh37 (hg19) VCF-style: chr4-114278414-T-A.
Other names: c.8406T>A, p.Asp2802Glu (NM_001386142.1); c.5040T>A, p.Asp1680Glu (NM_001386166.1); c.8781T>A, p.Asp2927Glu (NM_001386174.1); c.8757T>A, p.Asp2919Glu (NM_001386175.1); c.4412-3565T>A (NM_001386186.2, NM_001386148.2); c.4214-3565T>A (NM_001354269.3); c.4292-3565T>A (NM_001386187.2); c.4253-3565T>A (NM_001386147.1); and 35 more; short protein forms D2927E, D1680E, D2919E, D2802E, D2880E.
Identifiers: ClinVar variation 3695537 (VCV003695537.2).

ClinVar aggregate classification (germline): Uncertain significance (1 of 4 stars; one submission).

Conditions:
Long QT syndrome (LQTS). Identifiers: MedGen C0023976, MeSH D008133, MONDO:0002442. Disease mechanism: loss of function. Inheritance: Various modes of inheritance.

gnomAD v4.1: 2 of 1,614,070 alleles (0.00012%); highest among the groups gnomAD compares: Non-Finnish European, 0.000085%; no homozygotes.

Submission:

Labcorp Genetics (formerly Invitae), Labcorp
Classification: Uncertain significance for Long QT syndrome. Last evaluated: 2024-06-03. Review status: criteria provided, single submitter. Criteria: Invitae Variant Classification Sherloc (09022015). Collection method: clinical testing. Allele origin: germline.
Comment: This sequence change replaces aspartic acid, which is acidic and polar, with glutamic acid, which is acidic and polar, at codon 2880 of the ANK2 protein (p.Asp2880Glu). This variant is not present in population databases (gnomAD no frequency). This variant has not been reported in the literature in individuals affected with ANK2-related conditions. Algorithms developed to predict the effect of missense changes on protein structure and function output the following: SIFT: "Not Available"; PolyPhen-2: "Benign"; Align-GVGD: "Not Available". The glutamic acid amino acid residue is found in multiple mammalian species, which suggests that this missense change does not adversely affect protein function. In summary, the available evidence is currently insufficient to determine the role of this variant in disease. Therefore, it has been classified as a Variant of Uncertain Significance.